The following is an entry in ClinVar:

ClinVar aggregate classification (germline): Likely benign (1 of 4 stars; one submission).

Submission:

Women's Health and Genetics/Laboratory Corporation of America, LabCorp
Classification: Likely benign. Last evaluated: 2026-06-04. Review status: criteria provided, single submitter. Criteria: LabCorp Variant Classification Summary - May 2015. Collection method: clinical testing. Allele origin: germline.
Comment: Variant summary: PRKG2 c.2127-33_2127-14dup20 alters a nucleotide located at a position not widely known to affect splicing. Consensus agreement among computation tools predict no significant impact on normal splicing. However, these predictions have yet to be confirmed by functional studies. The variant was absent in 191892 control chromosomes. The available data on variant occurrences in the general population are insufficient to allow any conclusion about variant significance. To our knowledge, no occurrence of c.2127-33_2127-14dup20 in individuals affected with PRKG2-related conditions and no experimental evidence demonstrating its impact on protein function have been reported. No submitters have cited clinical-significance assessments for this variant to ClinVar. Based on the evidence outlined above, the variant was classified as likely benign.

NM_006259.3(PRKG2):c.2127-61CCTT[17]

Gene: PRKG2 (protein kinase cGMP-dependent 2; minus strand). Cytogenetic location: 4q21.21.
Variant type: Microsatellite.
Coding change: c.2127-61CCTT[17] on transcript NM_006259.3 (MANE Select); 17 copies in a row of the 4-base unit CCTT starting at c.2127-61; the reference has 12 copies in a row; five copies, 20 bases duplicated.
Molecular consequence: intron variant.
Genome position (GRCh38, 1-based): chr4:81,092,466-81,092,485, AAGGAAGGAAGGAAGGAAGG duplicated on the plus strand (CCTTCCTTCCTTCCTTCCTT on the coding strand, the reverse complement: PRKG2 is on the minus strand); duplicating any 20 consecutive bases within chr4:81,092,466-81,092,513 gives the same sequence; the position shown is the placement nearest the transcript's 3' end. VCF-style (leftmost placement, unchanged base first): chr4-81092465-A-AAAGGAAGGAAGGAAGGAAGG. GRCh37 (hg19) VCF-style: chr4-82013619-A-AAAGGAAGGAAGGAAGGAAGG.
Other names: c.780-61CCTT[17] (NM_001282482.1); c.687-61CCTT[17] (NM_001282483.1); c.867-61CCTT[17] (NM_001282481.1, NM_001282480.1); c.2040-61CCTT[17] (NM_001282485.2); c.2127-61CCTT[17] (NM_001363401.2); c.2127-33_2127-14dup20 (NM_006259.3).
Identifiers: ClinVar variation 4887516 (VCV004887516.1).
Genomic context (GRCh38, chr4:81,092,465, plus strand): 5'-GGAAGGCTCCGTGCTTTCAGTCCCTCCCAATTAAAACCATTTAACCACCTGAGAAATGAG[A>AAAGGAAGGAAGGAAGGAAGG]AAGGAAGGAAGGAAGGAAGGAAGGAAGGAAGGAAGGAAGGAAGGAAGGGAGAAAGAAAGA-3'